The following is an entry in ClinVar:

ClinVar aggregate classification (germline): Uncertain significance. Review status: criteria provided, multiple submitters, no conflicts (2 of 4 stars). 2 submissions from 2 submitters: Uncertain significance (2). Last evaluated 2025-02-01.

Conditions:
Inborn genetic diseases. Identifiers: MedGen C0950123, MeSH D030342.

Allele frequency attached by ClinVar (database versions not stated): ExAC 0.00001.
gnomAD v4.1: 10 of 1,597,658 alleles (0.00063%); highest among the groups gnomAD compares: African/African-American, 0.012%; no homozygotes.

Submissions (2):

Ambry Genetics
Classification: Uncertain significance for Inborn genetic diseases. Last evaluated: 2025-02-01. Review status: criteria provided, single submitter. Criteria: Ambry Variant Classification Scheme 2023. Collection method: clinical testing. Allele origin: germline.

Labcorp Genetics (formerly Invitae), Labcorp
Classification: Uncertain significance. Last evaluated: 2022-06-03. Review status: criteria provided, single submitter. Criteria: Invitae Variant Classification Sherloc (09022015). Collection method: clinical testing. Allele origin: germline.
Comment: This sequence change replaces threonine, which is neutral and polar, with lysine, which is basic and polar, at codon 2305 of the PCNT protein (p.Thr2305Lys). This variant is present in population databases (rs770226991, gnomAD 0.02%). This variant has not been reported in the literature in individuals affected with PCNT-related conditions. Algorithms developed to predict the effect of missense changes on protein structure and function (SIFT, PolyPhen-2, Align-GVGD) all suggest that this variant is likely to be tolerated. In summary, the available evidence is currently insufficient to determine the role of this variant in disease. Therefore, it has been classified as a Variant of Uncertain Significance.

NM_006031.6(PCNT):c.6914C>A (p.Thr2305Lys)

Gene: PCNT (pericentrin; plus strand). Cytogenetic location: 21q22.3.
Variant type: single nucleotide variant.
Coding change: c.6914C>A on transcript NM_006031.6 (MANE Select); coding-DNA position 6914, C replaced by A.
Protein change: p.Thr2305Lys; replaces threonine 2305 with lysine.
Molecular consequence: missense variant.
Genome position (GRCh38, 1-based): chr21:46,416,832, C>A. VCF-style: chr21-46416832-C-A. GRCh37 (hg19) VCF-style: chr21-47836746-C-A.
Other names: c.6560C>A, p.Thr2187Lys (NM_001315529.2); c.6914C>A (NM_006031.5); short protein forms T2187K, T2305K.
Identifiers: ClinVar variation 1974256 (VCV001974256.3), dbSNP rs770226991, ClinGen allele CA10080439.